The following is an entry in ClinVar:

NM_032217.5(ANKRD17):c.3962del (p.Asp1321fs)

Gene: ANKRD17 (ankyrin repeat domain 17; minus strand). Cytogenetic location: 4q13.3.
Variant type: Deletion.
Coding change: c.3962del on transcript NM_032217.5 (MANE Select); coding-DNA position 3962, one base deleted (A; older notation c.3962delA).
Protein change: p.Asp1321fs; shifts the reading frame from aspartic acid 1321.
Molecular consequence: frameshift variant.
Genome position (GRCh38, 1-based): chr4:73,120,225, T deleted on the plus strand (A on the coding strand, the reverse complement: ANKRD17 is on the minus strand). VCF-style (leftmost placement, unchanged base first): chr4-73120224-AT-A. GRCh37 (hg19) VCF-style: chr4-73985941-AT-A.
Other names: c.3623del, p.Asp1208fs (NM_001286771.3); c.3959del, p.Asp1320fs (NM_015574.2); c.3209del, p.Asp1070fs (NM_198889.3); short protein forms D1070fs, D1208fs, D1320fs, D1321fs.
Identifiers: ClinVar variation 4851423 (VCV004851423.1).
Genomic context (GRCh38, chr4:73,120,224, plus strand): 5'-GCCAATAAGAAGCTCACAGAATTTGTAATGCCCTTTATCTGCTGCTATGGTTAAAGCTGT[AT>A]CTCTTGAGGAGGGAACTGGAGGGGCATTAACATCAGCACCTTTATCCAAAAGAACTCGGC-3'

ClinVar aggregate classification (germline): Pathogenic (1 of 4 stars; one submission).

Conditions:
Chopra-Amiel-Gordon syndrome (CAGS). Also called: ANKRD17-Related Neurodevelopmental Syndrome. Identifiers: MedGen C5561975, MONDO:0859186, OMIM 619504.

Submission:

Institute of Immunology and Genetics Kaiserslautern
Classification: Pathogenic for Chopra-Amiel-Gordon syndrome. Last evaluated: 2026-03-06. Review status: criteria provided, single submitter. Criteria: ACMG Guidelines, 2015. Collection method: clinical testing. Allele origin: de novo. Affected: yes.
Comment: ACMG Criteria: PVS1, PS2, PM2; Variant was found in heterozygous state. De novo-status was confirmed via in-house segregation analysis.